The following is an entry in ClinVar:

ClinVar aggregate classification (germline): Uncertain significance (1 of 4 stars; one submission).

Conditions:
Hyperekplexia 3 (HKPX3). Also called: HYPEREKPLEXIA 3, AUTOSOMAL RECESSIVE; HYPEREKPLEXIA 3, AUTOSOMAL DOMINANT. Identifiers: Orphanet 3197, MedGen C3553288, MONDO:0013827, OMIM 614618.

Allele frequency attached by ClinVar (database versions not stated): ExAC 0.00003; gnomAD exomes 0.00005; gnomAD 0.00006; TOPMed 0.00006; ESP Exome Variant Server 0.00008.
gnomAD v4.1: 258 of 1,577,958 alleles (0.016%); highest among the groups gnomAD compares: Non-Finnish European, 0.022%; no homozygotes.

Submission:

Labcorp Genetics (formerly Invitae), Labcorp
Classification: Uncertain significance for Hyperekplexia 3. Last evaluated: 2024-02-17. Review status: criteria provided, single submitter. Criteria: Invitae Variant Classification Sherloc (09022015). Collection method: clinical testing. Allele origin: germline.
Comment: This sequence change replaces methionine, which is neutral and non-polar, with valine, which is neutral and non-polar, at codon 579 of the SLC6A5 protein (p.Met579Val). This variant is present in population databases (rs368756114, gnomAD 0.01%). This variant has not been reported in the literature in individuals affected with SLC6A5-related conditions. ClinVar contains an entry for this variant (Variation ID: 1413045). An algorithm developed to predict the effect of missense changes on protein structure and function (PolyPhen-2) suggests that this variant is likely to be disruptive. In summary, the available evidence is currently insufficient to determine the role of this variant in disease. Therefore, it has been classified as a Variant of Uncertain Significance.

NM_004211.5(SLC6A5):c.1735A>G (p.Met579Val)

Gene: SLC6A5 (solute carrier family 6 member 5; plus strand). Cytogenetic location: 11p15.1.
Variant type: single nucleotide variant.
Coding change: c.1735A>G on transcript NM_004211.5 (MANE Select); coding-DNA position 1735, A replaced by G.
Protein change: p.Met579Val; replaces methionine 579 with valine.
Molecular consequence: missense variant.
Genome position (GRCh38, 1-based): chr11:20,636,417, A>G. VCF-style: chr11-20636417-A-G. GRCh37 (hg19) VCF-style: chr11-20657963-A-G.
Other names: c.1033A>G, p.Met345Val (NM_001318369.2); short protein forms M345V, M579V.
Identifiers: ClinVar variation 1413045 (VCV001413045.8), dbSNP rs368756114, ClinGen allele CA5921556.
Genomic context (GRCh38, chr11:20,636,417, plus strand): 5'-CTCTCTCCGTTCTGGGCCATCATCTTTTTCCTGATGCTCCTCACTCTTGGACTTGACACT[A>G]TGGTGAGCCCCTTTTCCATCAGTCTCTATCCCATGCTCCTCTTGAAGACTCCCCCTCTCC-3'
Protein context (NP_004202.4, residues 569-589): LMLLTLGLDT[Met579Val]FATIETIVTS